The following is an entry in ClinVar:

NM_153614.4(DNAJB13):c.493-8T>C

Gene: DNAJB13 (DnaJ heat shock protein family (Hsp40) member B13; plus strand). Cytogenetic location: 11q13.4.
Variant type: single nucleotide variant.
Coding change: c.493-8T>C on transcript NM_153614.4 (MANE Select); 8 bases into the intron before coding-DNA position 493, T replaced by C.
Molecular consequence: intron variant.
Genome position (GRCh38, 1-based): chr11:73,966,130, T>C. VCF-style: chr11-73966130-T-C. GRCh37 (hg19) VCF-style: chr11-73677175-T-C.
Other names: c.319-8T>C (NM_001377263.1).
Identifiers: ClinVar variation 734161 (VCV000734161.12), dbSNP rs144333066, ClinGen allele CA6180786.

ClinVar aggregate classification (germline): Benign. Review status: criteria provided, single submitter (1 of 4 stars). 2 submissions from 2 submitters: Benign (1). 1 of the submissions does not count toward it. Last evaluated 2026-02-01.

Conditions:
DNAJB13-related disorder. Also called: DNAJB13-related condition.

Allele frequency attached by ClinVar (database versions not stated): gnomAD exomes 0.00054 and 0.00125; ExAC 0.00207; 1000 Genomes Project 0.00439; 1000 Genomes Project 30x 0.00453; gnomAD 0.00569 and 0.00623; TOPMed 0.00614; ESP Exome Variant Server 0.00701.
gnomAD v4.1: 1,662 of 1,610,110 alleles (0.1%); highest among the groups gnomAD compares: African/African-American, 2.1%; 25 homozygotes.

Submissions (2):

Labcorp Genetics (formerly Invitae), Labcorp
Classification: Benign. Last evaluated: 2026-02-01. Review status: criteria provided, single submitter. Criteria: Invitae Variant Classification Sherloc (09022015). Collection method: clinical testing. Allele origin: germline.

PreventionGenetics, part of Exact Sciences
Classification: Benign for DNAJB13-related condition. Last evaluated: 2019-11-06. Review status: no assertion criteria provided. Collection method: clinical testing. Allele origin: germline. Not counted in ClinVar's aggregate classification.
Comment: This variant is classified as benign based on ACMG/AMP sequence variant interpretation guidelines (Richards et al. 2015 PMID: 25741868, with internal and published modifications).